The following is an entry in ClinVar:

ClinVar aggregate classification (germline): Uncertain significance (1 of 4 stars; one submission).

gnomAD v4.1: 2 of 1,212,014 alleles (0.00017%); highest among the groups gnomAD compares: South Asian, 0.0035%; no homozygotes.

Submission:

GeneDx
Classification: Uncertain significance. Last evaluated: 2024-08-20. Review status: criteria provided, single submitter. Criteria: GeneDx Variant Classification Process June 2021. Collection method: clinical testing. Allele origin: germline. Affected: yes.
Comment: Not observed at significant frequency in large population cohorts (gnomAD); In silico analysis indicates that this missense variant does not alter protein structure/function; Has not been previously published as pathogenic or benign to our knowledge

NM_001363.5(DKC1):c.1348G>A (p.Glu450Lys)

Gene: DKC1 (dyskerin pseudouridine synthase 1; plus strand). Cytogenetic location: Xq28.
Variant type: single nucleotide variant.
Coding change: c.1348G>A on transcript NM_001363.5 (MANE Select); coding-DNA position 1348, G replaced by A.
Protein change: p.Glu450Lys; replaces glutamic acid 450 with lysine.
Molecular consequence: missense variant. On other transcripts: 3 prime UTR variant (1), non-coding transcript variant (3).
Genome position (GRCh38, 1-based): chrX:154,776,196, G>A. VCF-style: chrX-154776196-G-A. GRCh37 (hg19) VCF-style: chrX-154004471-G-A.
Other names: c.1333G>A, p.Glu445Lys (NM_001142463.3); c.*574G>A (NM_001288747.2); short protein forms E445K, E450K.
Identifiers: ClinVar variation 3764475 (VCV003764475.1).